The following is an entry in ClinVar:

ClinVar aggregate classification (germline): Likely benign (1 of 4 stars; one submission).

Conditions:
BSND-related disorder. Also called: BSND-related condition.

gnomAD v4.1: 8 of 1,613,914 alleles (0.0005%); highest among the groups gnomAD compares: African/African-American, 0.011%; no homozygotes.

Submission:

PreventionGenetics, part of Exact Sciences
Classification: Likely benign for BSND-related condition. Last evaluated: 2025-10-20. Review status: criteria provided, single submitter. Criteria: ACMG Guidelines, 2015. Collection method: clinical testing. Allele origin: germline.
Comment: This variant is classified as likely benign based on ACMG/AMP sequence variant interpretation guidelines (Richards et al. 2015 PMID: 25741868, with internal and published modifications).

NM_057176.3(BSND):c.-1C>T

Gene: BSND (barttin CLCNK type accessory subunit beta; plus strand). Cytogenetic location: 1p32.3.
Variant type: single nucleotide variant.
Coding change: c.-1C>T on transcript NM_057176.3 (MANE Select); 1 bases upstream of the start codon, C replaced by T.
Molecular consequence: 5 prime UTR variant.
Genome position (GRCh38, 1-based): chr1:54,999,186, C>T. VCF-style: chr1-54999186-C-T. GRCh37 (hg19) VCF-style: chr1-55464859-C-T.
Identifiers: ClinVar variation 4979680 (VCV004979680.1).